The following is an entry in ClinVar:

ClinVar aggregate classification (germline): Likely pathogenic (1 of 4 stars; one submission).

Submission:

GeneDx
Classification: Likely pathogenic. Last evaluated: 2018-05-10. Review status: criteria provided, single submitter. Criteria: GeneDx Variant Classification (06012015). Collection method: clinical testing. Allele origin: germline. Affected: yes.
Comment: The c.1033delG variant in the COL4A4 gene has not been reported previously as a pathogenic variant nor as a benign variant, to our knowledge. The c.1033delG variant causes a frameshift starting with codon Aspartic Acid 345, changes this amino acid to an Isoleucine residue, and creates a premature Stop codon at position 15 of the new reading frame, denoted p.Asp345IlefsX15. This variant is predicted to cause loss of normal protein function either through protein truncation or nonsense-mediated mRNA decay. The c.1033delG variant is not observed in large population cohorts (Lek et al., 2016). We interpret c.1033delG as a likely pathogenic variant.

NM_000092.4(COL4A4):c.1033delG

Gene: COL4A4 (collagen type IV alpha 4 chain; minus strand). Cytogenetic location: 2q36.3.
Variant type: Deletion.
Coding change: c.1033delG on transcript NM_000092.4; coding-DNA position 1033, one base deleted (G).
Genome position (GRCh38, 1-based): chr2:227,099,686, C deleted on the plus strand (G on the coding strand, the reverse complement: COL4A4 is on the minus strand); the first of 5 consecutive C bases (chr2:227,099,686-227,099,690); deleting any one gives the same sequence. VCF-style (leftmost placement, unchanged base first): chr2-227099685-TC-T. GRCh37 (hg19) VCF-style: chr2-227964401-TC-T.
Identifiers: ClinVar variation 545942 (VCV000545942.4), dbSNP rs1553681700, ClinGen allele CA658821262.